The following is an entry in ClinVar:

ClinVar aggregate classification (germline): Uncertain significance (0 of 4 stars; one submission).

Conditions:
PHF6-related disorder. Also called: PHF6-related condition.

Submission:

PreventionGenetics, part of Exact Sciences
Classification: Uncertain significance for PHF6-related condition. Last evaluated: 2023-10-25. Review status: no assertion criteria provided. Collection method: clinical testing. Allele origin: germline.
Comment: The PHF6 c.899T>C variant is predicted to result in the amino acid substitution p.Val300Ala. To our knowledge, this variant has not been reported in the literature or in a large population database, indicating this variant is rare. At this time, the clinical significance of this variant is uncertain due to the absence of conclusive functional and genetic evidence.

NM_001015877.2(PHF6):c.834+62T>C

Gene: PHF6 (PHD finger protein 6; plus strand). Cytogenetic location: Xq26.2.
Variant type: single nucleotide variant.
Coding change: c.834+62T>C on transcript NM_001015877.2 (MANE Select); 62 bases into the intron after coding-DNA position 834, T replaced by C.
Molecular consequence: intron variant. On other transcripts: missense variant (1).
Genome position (GRCh38, 1-based): chrX:134,415,182, T>C. VCF-style: chrX-134415182-T-C. GRCh37 (hg19) VCF-style: chrX-133549212-T-C.
Other names: c.899T>C, p.Val300Ala (NM_032335.3); c.834+62T>C (NM_032458.3); short protein forms V300A.
Identifiers: ClinVar variation 3348575 (VCV003348575.1).